The following is an entry in ClinVar:

NM_032119.4(ADGRV1):c.14747G>A (p.Gly4916Glu)

Gene: ADGRV1 (adhesion G protein-coupled receptor V1; plus strand). Cytogenetic location: 5q14.3.
Variant type: single nucleotide variant.
Coding change: c.14747G>A on transcript NM_032119.4 (MANE Select); coding-DNA position 14747, G replaced by A.
Protein change: p.Gly4916Glu; replaces glycine 4916 with glutamic acid.
Molecular consequence: missense variant. On other transcripts: non-coding transcript variant (1).
Genome position (GRCh38, 1-based): chr5:90,805,369, G>A. VCF-style: chr5-90805369-G-A. GRCh37 (hg19) VCF-style: chr5-90101186-G-A.
Other names: short protein forms G4916E.
Identifiers: ClinVar variation 1005415 (VCV001005415.8), dbSNP rs1761805322, ClinGen allele CA360406253.

ClinVar aggregate classification (germline): Uncertain significance (1 of 4 stars; one submission).

Submission:

Labcorp Genetics (formerly Invitae), Labcorp
Classification: Uncertain significance. Last evaluated: 2022-09-13. Review status: criteria provided, single submitter. Criteria: Invitae Variant Classification Sherloc (09022015). Collection method: clinical testing. Allele origin: germline.
Comment: This sequence change replaces glycine, which is neutral and non-polar, with glutamic acid, which is acidic and polar, at codon 4916 of the ADGRV1 protein (p.Gly4916Glu). This variant is not present in population databases (gnomAD no frequency). This variant has not been reported in the literature in individuals affected with ADGRV1-related conditions. ClinVar contains an entry for this variant (Variation ID: 1005415). Advanced modeling of protein sequence and biophysical properties (such as structural, functional, and spatial information, amino acid conservation, physicochemical variation, residue mobility, and thermodynamic stability) has been performed at Invitae for this missense variant, however the output from this modeling did not meet the statistical confidence thresholds required to predict the impact of this variant on ADGRV1 protein function. In summary, the available evidence is currently insufficient to determine the role of this variant in disease. Therefore, it has been classified as a Variant of Uncertain Significance.